The following is an entry in ClinVar:

NM_006231.4(POLE):c.1894C>T (p.Pro632Ser)

Gene: POLE (DNA polymerase epsilon, catalytic subunit; minus strand). Cytogenetic location: 12q24.33.
Variant type: single nucleotide variant.
Coding change: c.1894C>T on transcript NM_006231.4 (MANE Select); coding-DNA position 1894, C replaced by T.
Protein change: p.Pro632Ser; replaces proline 632 with serine.
Molecular consequence: missense variant.
Genome position (GRCh38, 1-based): chr12:132,668,840, G>A on the plus strand (C>T on the coding strand, the complement: POLE is on the minus strand). VCF-style: chr12-132668840-G-A. GRCh37 (hg19) VCF-style: chr12-133245426-G-A.
Other names: c.1894C>T (NM_006231.2); short protein forms P632S.
Identifiers: ClinVar variation 575131 (VCV000575131.10), dbSNP rs1565966599, ClinGen allele CA387355322.
Genomic context (GRCh38, chr12:132,668,840, plus strand): 5'-TCCGACTCTGACACGGGAAGTAAAGTCTCACCTGCAGGCGGTTGGTCAGGATGATGTTGG[G>A]GTACATGGCCCCCACGTCCAGGTGGTAGATGAGTGGACACTCGATGCGGCTGGGAACGTC-3'
Protein context (NP_006222.2, residues 622-642): IYHLDVGAMY[Pro632Ser]NIILTNRLQP

ClinVar aggregate classification (germline): Uncertain significance. Review status: criteria provided, multiple submitters, no conflicts (2 of 4 stars). 2 submissions from 2 submitters: Uncertain significance (2). Last evaluated 2020-05-18.

Submissions (2):

GeneDx
Classification: Uncertain significance. Last evaluated: 2020-05-18. Review status: criteria provided, single submitter. Criteria: GeneDx Variant Classification Process June 2021. Collection method: clinical testing. Allele origin: germline. Affected: yes.
Comment: Not observed in large population cohorts (Lek et al., 2016); In silico analysis supports that this missense variant has a deleterious effect on protein structure/function; Has not been previously published as pathogenic or benign to our knowledge

Labcorp Genetics (formerly Invitae), Labcorp
Classification: Uncertain significance. Last evaluated: 2018-02-23. Review status: criteria provided, single submitter. Criteria: Invitae Variant Classification Sherloc (09022015). Collection method: clinical testing. Allele origin: germline.
Comment: In summary, the available evidence is currently insufficient to determine the role of this variant in disease. Therefore, it has been classified as a Variant of Uncertain Significance. Algorithms developed to predict the effect of missense changes on protein structure and function (SIFT, PolyPhen-2, Align-GVGD) all suggest that this variant is likely to be disruptive, but these predictions have not been confirmed by published functional studies and their clinical significance is uncertain. This variant has not been reported in the literature in individuals with POLE-related disease. This variant is not present in population databases (ExAC no frequency). This sequence change replaces proline with serine at codon 632 of the POLE protein (p.Pro632Ser). The proline residue is highly conserved and there is a moderate physicochemical difference between proline and serine.